The following is an entry in ClinVar:

ClinVar aggregate classification (germline): Uncertain significance. Review status: criteria provided, multiple submitters, no conflicts (2 of 4 stars). 2 submissions from 2 submitters: Uncertain significance (2). Last evaluated 2025-04-14.

Conditions:
Retinitis pigmentosa 80 (RP80). Identifiers: MedGen C4540439, MONDO:0054708, OMIM 617781.
Saldino-Mainzer syndrome (SRTD9). Also called: CONORENAL SYNDROME; Renal dysplasia, retinal pigmentary dystrophy, cerebellar ataxia and skeletal dysplasia; short-rib thoracic dysplasia 9 with or without polydactyly; SHORT-RIB THORACIC DYSPLASIA 9 WITHOUT POLYDACTYLY. Identifiers: Orphanet 140969, MedGen C1849437, MONDO:0009964, OMIM 266920.

Allele frequency attached by ClinVar (database versions not stated): gnomAD exomes below 0.00001 and 0.00001; TOPMed below 0.00001; ExAC 0.00002.
gnomAD v4.1: 5 of 1,613,358 alleles (0.00031%); highest among the groups gnomAD compares: Middle Eastern, 0.033%; no homozygotes.

Submissions (2):

Labcorp Genetics (formerly Invitae), Labcorp
Classification: Uncertain significance for Saldino-Mainzer syndrome. Last evaluated: 2025-04-14. Review status: criteria provided, single submitter. Criteria: Invitae Variant Classification Sherloc (09022015). Collection method: clinical testing. Allele origin: germline.
Comment: This sequence change replaces asparagine, which is neutral and polar, with threonine, which is neutral and polar, at codon 593 of the IFT140 protein (p.Asn593Thr). This variant is present in population databases (rs775630184, gnomAD 0.002%). This variant has not been reported in the literature in individuals affected with IFT140-related conditions. ClinVar contains an entry for this variant (Variation ID: 1058726). Invitae Evidence Modeling of protein sequence and biophysical properties (such as structural, functional, and spatial information, amino acid conservation, physicochemical variation, residue mobility, and thermodynamic stability) indicates that this missense variant is not expected to disrupt IFT140 protein function with a negative predictive value of 95%. In summary, the available evidence is currently insufficient to determine the role of this variant in disease. Therefore, it has been classified as a Variant of Uncertain Significance.

Fulgent Genetics
Classification: Uncertain significance for Saldino-Mainzer syndrome; Retinitis pigmentosa 80. Last evaluated: 2022-04-07. Review status: criteria provided, single submitter. Criteria: ACMG Guidelines, 2015. Collection method: clinical testing. Allele origin: unknown.

NM_014714.4(IFT140):c.1778A>C (p.Asn593Thr)

Gene: IFT140 (intraflagellar transport 140; minus strand). Cytogenetic location: 16p13.3.
Variant type: single nucleotide variant.
Coding change: c.1778A>C on transcript NM_014714.4 (MANE Select); coding-DNA position 1778, A replaced by C.
Protein change: p.Asn593Thr; replaces asparagine 593 with threonine.
Molecular consequence: missense variant.
Genome position (GRCh38, 1-based): chr16:1,566,284, T>G on the plus strand (A>C on the coding strand, the complement: IFT140 is on the minus strand). VCF-style: chr16-1566284-T-G. GRCh37 (hg19) VCF-style: chr16-1616285-T-G.
Other names: short protein forms N593T.
Identifiers: ClinVar variation 1058726 (VCV001058726.10), dbSNP rs775630184, ClinGen allele CA7814136.